The following is an entry in ClinVar:

NM_007294.4(BRCA1):c.985_986del (p.Cys328_Asn329insTer)

Gene: BRCA1 (BRCA1 DNA repair associated; minus strand). Cytogenetic location: 17q21.31.
Variant type: Deletion.
Coding change: c.985_986del on transcript NM_007294.4 (MANE Select); coding-DNA positions 985 to 986, 2 bases deleted (AA; older notation c.985_986delAA).
Protein change: p.Cys328_Asn329insTer.
Molecular consequence: nonsense. On other transcripts: intron variant (137).
Genome position (GRCh38, 1-based): chr17:43,094,545-43,094,546, TT deleted on the plus strand (AA on the coding strand, the reverse complement: BRCA1 is on the minus strand). VCF-style (leftmost placement, unchanged base first): chr17-43094544-ATT-A. GRCh37 (hg19) VCF-style: chr17-41246561-ATT-A.
Other names: c.862_863del, p.Cys287_Asn288insTer (NM_001407681.1, NM_001407682.1, NM_001407683.1 and 19 more transcripts); c.985_986del, p.Cys328_Asn329insTer (NM_001407684.1, NM_001407854.1, NM_001407858.1 and 30 more transcripts); c.859_860del, p.Cys286_Asn287insTer (NM_001407685.1, NM_001407686.1, NM_001407687.1 and 11 more transcripts); c.844_845del, p.Cys281_Asn282insTer (NM_001407692.1, NM_001407694.1, NM_001407695.1 and 29 more transcripts); c.841_842del, p.Cys280_Asn281insTer (NM_001407740.1, NM_001407741.1, NM_001407742.1 and 20 more transcripts); c.772_773del, p.Cys257_Asn258insTer (NM_001407853.1, NM_001407894.1, NM_001407895.1 and 9 more transcripts); c.982_983del, p.Cys327_Asn328insTer (NM_001407860.1, NM_001407861.1, NM_001407587.1 and 22 more transcripts); c.784_785del, p.Cys261_Asn262insTer (NM_001407862.1); and 40 more.
Identifiers: ClinVar variation 55773 (VCV000055773.3), dbSNP rs397509341, ClinGen allele CA003999.

ClinVar aggregate classification (germline): Pathogenic. Review status: reviewed by expert panel (3 of 4 stars). 2 submissions from 2 submitters: Pathogenic (1). 1 of the submissions does not count toward it. Last evaluated 2017-12-15.

Conditions:
Familial cancer of breast. Also called: hereditary breast carcinoma; BREAST CANCER, FAMILIAL; Hereditary breast cancer. Identifiers: Orphanet 227535, MedGen C0346153, MONDO:0016419, OMIM 114480. Disease mechanism: loss of function.
Breast-ovarian cancer, familial, susceptibility to, 1 (BROVCA1). Also called: BRCA1 Hereditary Breast and Ovarian Cancer; OVARIAN CANCER, SUSCEPTIBILITY TO. Identifiers: Orphanet 145, MedGen C2676676, MONDO:0011450, OMIM 604370. Disease mechanism: loss of function.

Submissions (2):

Evidence-based Network for the Interpretation of Germline Mutant Alleles (ENIGMA)
Classification: Pathogenic for Breast-ovarian cancer, familial, susceptibility to, 1. Last evaluated: 2017-12-15. Review status: reviewed by expert panel. Criteria: ENIGMA BRCA1/2 Classification Criteria (2017-06-29). Collection method: curation. Allele origin: germline. Study: ENIGMA.
Comment: Variant allele predicted to encode a truncated non-functional protein.

ClinVar Staff, National Center for Biotechnology Information (NCBI)
No classification provided. Condition: Familial cancer of breast. Review status: no classification provided. Collection method: literature only. Allele origin: germline. Affected: yes. Not counted in ClinVar's aggregate classification.

Literature cited by the submitters: PubMed 11180604 (cited by ClinVar Staff, National Center for Biotechnology Information (NCBI)).